The following is an entry in ClinVar:

ClinVar aggregate classification (germline): Conflicting classifications of pathogenicity. Review status: criteria provided, conflicting classifications (1 of 4 stars). 6 submissions from 6 submitters: Uncertain significance (2); Benign (1); Likely benign (3). Last evaluated 2025-10-18.

Conditions:
Hereditary cancer-predisposing syndrome. Also called: Neoplastic Syndromes, Hereditary; Hereditary Cancer Syndrome; Tumor predisposition; Hereditary neoplastic syndrome. Identifiers: Orphanet 140162, MedGen C0027672, MeSH D009386, MONDO:0015356.
Tuberous sclerosis 2 (TSC2). Identifiers: Orphanet 805, MedGen C1860707, MONDO:0013199, OMIM 613254.

Allele frequency attached by ClinVar (database versions not stated): gnomAD 0.00001; gnomAD exomes 0.00001; TOPMed 0.00001.
gnomAD v4.1: 11 of 1,603,250 alleles (0.00069%); highest among the groups gnomAD compares: East Asian, 0.0022%; no homozygotes.

Submissions (6):

Labcorp Genetics (formerly Invitae), Labcorp
Classification: Benign for Tuberous sclerosis 2. Last evaluated: 2025-10-18. Review status: criteria provided, single submitter. Criteria: Invitae Variant Classification Sherloc (09022015). Collection method: clinical testing. Allele origin: germline.

Quest Diagnostics Nichols Institute San Juan Capistrano
Classification: Uncertain significance. Last evaluated: 2024-12-25. Review status: criteria provided, single submitter. Criteria: Quest Diagnostics criteria. Collection method: clinical testing. Allele origin: unknown.

Ambry Genetics
Classification: Likely benign for Hereditary cancer-predisposing syndrome. Last evaluated: 2022-12-12. Review status: criteria provided, single submitter. Criteria: Ambry Variant Classification Scheme 2023. Collection method: clinical testing. Allele origin: germline.

Genome-Nilou Lab
Classification: Likely benign for Tuberous sclerosis 2. Last evaluated: 2021-11-07. Review status: criteria provided, single submitter. Criteria: ACMG Guidelines, 2015. Collection method: clinical testing. Allele origin: germline. Affected: no.

GeneDx
Classification: Likely benign. Last evaluated: 2020-10-27. Review status: criteria provided, single submitter. Criteria: GeneDx Variant Classification Process June 2021. Collection method: clinical testing. Allele origin: germline. Affected: yes.
Comment: In silico analysis, which includes protein predictors and evolutionary conservation, supports that this variant does not alter protein structure/function; This variant is associated with the following publications: (PMID: 26563443)

Blueprint Genetics
Classification: Uncertain significance. Last evaluated: 2019-02-19. Review status: criteria provided, single submitter. Criteria: ACMG Guidelines, 2015. Collection method: clinical testing. Allele origin: germline.

Literature cited by the submitters: PubMed 26563443 (cited by Ambry Genetics).

NM_000548.5(TSC2):c.3374G>A (p.Arg1125Gln)

Gene: TSC2 (TSC complex subunit 2; plus strand). Cytogenetic location: 16p13.3.
Variant type: single nucleotide variant.
Coding change: c.3374G>A on transcript NM_000548.5 (MANE Select); coding-DNA position 3374, G replaced by A.
Protein change: p.Arg1125Gln; replaces arginine 1125 with glutamine.
Molecular consequence: missense variant.
Genome position (GRCh38, 1-based): chr16:2,079,646, G>A. VCF-style: chr16-2079646-G-A. GRCh37 (hg19) VCF-style: chr16-2129647-G-A.
Other names: p.R1125Q:CGG>CAG; c.3242G>A, p.Arg1081Gln (NM_001077183.3, NM_001370404.1); c.3374G>A, p.Arg1125Gln (NM_001114382.3); c.3134G>A, p.Arg1045Gln (NM_001318827.2); c.3098G>A, p.Arg1033Gln (NM_001318829.2); c.2642G>A, p.Arg881Gln (NM_001318831.2); c.3275G>A, p.Arg1092Gln (NM_001318832.2); c.3245G>A, p.Arg1082Gln (NM_001363528.2, NM_001370405.1, NM_021055.3); short protein forms R1125Q, R1033Q, R1045Q, R881Q, R1081Q, R1082Q, R1092Q.
Identifiers: ClinVar variation 207677 (VCV000207677.24), dbSNP rs796053475, ClinGen allele CA319371.